The following is an entry in ClinVar:

NM_015202.5(KATNIP):c.1587C>T (p.Leu529=)

Genes: KATNIP (katanin interacting protein; plus strand), LOC100128079 (uncharacterized LOC100128079; minus strand). Cytogenetic location: 16p12.1.
Variant type: single nucleotide variant.
Coding change: c.1587C>T on transcript NM_015202.5 (MANE Select); coding-DNA position 1587, C replaced by T.
Protein change: p.Leu529=; no amino-acid change (leucine 529 retained).
Molecular consequence: synonymous variant. On other transcripts: non-coding transcript variant (1).
Genome position (GRCh38, 1-based): chr16:27,708,902, C>T. VCF-style: chr16-27708902-C-T. GRCh37 (hg19) VCF-style: chr16-27720223-C-T.
Identifiers: ClinVar variation 720506 (VCV000720506.17), dbSNP rs115314923, ClinGen allele CA7977745.

ClinVar aggregate classification (germline): Benign/Likely benign. Review status: criteria provided, multiple submitters, no conflicts (2 of 4 stars). 4 submissions from 4 submitters: Benign (2); Likely benign (2). Last evaluated 2026-02-01.

Allele frequency attached by ClinVar (database versions not stated): ExAC 0.00120; 1000 Genomes Project 0.00339; 1000 Genomes Project 30x 0.00406; gnomAD 0.00434 and 0.00464; ESP Exome Variant Server 0.00516; TOPMed 0.00521.
gnomAD v4.1: 1,298 of 1,612,866 alleles (0.08%); highest among the groups gnomAD compares: African/African-American, 1.4%; 12 homozygotes.

Submissions (4):

CeGaT Center for Human Genetics Tuebingen
Classification: Likely benign. Last evaluated: 2026-02-01. Review status: criteria provided, single submitter. Criteria: CeGaT Center For Human Genetics Tuebingen Variant Classification Criteria Version 2. Collection method: clinical testing. Allele origin: germline. Affected: yes. Observed: 2 variant alleles.
Comment: KATNIP: BP4, BP7, BS1

Labcorp Genetics (formerly Invitae), Labcorp
Classification: Benign. Last evaluated: 2026-01-12. Review status: criteria provided, single submitter. Criteria: Invitae Variant Classification Sherloc (09022015). Collection method: clinical testing. Allele origin: germline.

Blueprint Genetics
Classification: Likely benign. Last evaluated: 2024-11-13. Review status: criteria provided, single submitter. Criteria: ACMG Guidelines, 2015. Collection method: clinical testing. Allele origin: germline.

Breakthrough Genomics
Classification: Benign. Review status: criteria provided, single submitter. Criteria: ACMG Guidelines, 2015. Collection method: not provided. Allele origin: germline. Inheritance: Autosomal recessive inheritance. Affected: yes.